The following is an entry in ClinVar:

ClinVar aggregate classification (germline): Pathogenic. Review status: reviewed by expert panel (3 of 4 stars). 14 submissions from 14 submitters: Pathogenic (1). 13 of the submissions do not count toward it. Last evaluated 2016-09-08.

Conditions:
Hereditary cancer-predisposing syndrome. Also called: Hereditary Cancer Syndrome; Hereditary neoplastic syndrome; Neoplastic Syndromes, Hereditary; Tumor predisposition. Identifiers: Orphanet 140162, MedGen C0027672, MeSH D009386, MONDO:0015356.
Breast-ovarian cancer, familial, susceptibility to, 1 (BROVCA1). Also called: BRCA1 Hereditary Breast and Ovarian Cancer; OVARIAN CANCER, SUSCEPTIBILITY TO. Identifiers: Orphanet 145, MedGen C2676676, MONDO:0011450, OMIM 604370. Disease mechanism: loss of function.
Hereditary breast ovarian cancer syndrome. Also called: BRCA1- and BRCA2-Associated Hereditary Breast and Ovarian Cancer; Hereditary breast and ovarian cancer syndrome; Hereditary breast and ovarian cancer syndrome (HBOC); Breast and ovarian cancer; Hereditary breast and/or ovarian cancer syndrome; Hereditary breast and ovarian cancer. Identifiers: Orphanet 145, MedGen C0677776, MeSH D061325, MONDO:0003582. Disease mechanism: loss of function.

Allele frequency attached by ClinVar (database versions not stated): gnomAD exomes below 0.00001.

Submissions (14):

Evidence-based Network for the Interpretation of Germline Mutant Alleles (ENIGMA)
Classification: Pathogenic for Breast-ovarian cancer, familial, susceptibility to, 1. Last evaluated: 2016-09-08. Review status: reviewed by expert panel. Criteria: ENIGMA BRCA1/2 Classification Criteria (2015). Collection method: curation. Allele origin: germline.
Comment: Variant allele predicted to encode a truncated non-functional protein.

Labcorp Genetics (formerly Invitae), Labcorp
Classification: Pathogenic for Hereditary breast ovarian cancer syndrome. Last evaluated: 2026-01-12. Review status: criteria provided, single submitter. Criteria: Invitae Variant Classification Sherloc (09022015). Collection method: clinical testing. Allele origin: germline. Not counted in ClinVar's aggregate classification.
Comment: This sequence change creates a premature translational stop signal (p.Leu1679*) in the BRCA1 gene. It is expected to result in an absent or disrupted protein product. Loss-of-function variants in BRCA1 are known to be pathogenic (PMID: 20104584). This variant is not present in population databases (gnomAD no frequency). This premature translational stop signal has been observed in individual(s) with breast and ovarian cancer (PMID: 21156238, 22752604, 22874498, 26911350). This variant is also known as 5154delC. ClinVar contains an entry for this variant (Variation ID: 55358). RNA analysis performed to evaluate the impact of this premature translational stop signal on mRNA splicing indicates it does not significantly alter splicing (internal data). For these reasons, this variant has been classified as Pathogenic.

Color Diagnostics, LLC DBA Color Health
Classification: Pathogenic for Hereditary cancer-predisposing syndrome. Last evaluated: 2023-09-25. Review status: criteria provided, single submitter. Criteria: ACMG Guidelines, 2015. Collection method: clinical testing. Allele origin: germline. Not counted in ClinVar's aggregate classification.
Comment: This variant deletes 1 nucleotide in exon 16 of the BRCA1 gene, creating a frameshift and premature translation stop signal. This variant is expected to result in an absent or non-functional protein product. To our knowledge, functional studies have not been reported for this variant. This variant has been reported in individuals and families affected with breast and ovarian cancer (PMID: 21156238, 22752604, 22874498, 26911350, 27553291, 31528241, 33629534, 35377489). This variant has not been identified in the general population by the Genome Aggregation Database (gnomAD). Loss of BRCA1 function is a known mechanism of disease. Based on the available evidence, this variant is classified as Pathogenic.

Ambry Genetics
Classification: Pathogenic for Hereditary cancer-predisposing syndrome. Last evaluated: 2023-01-29. Review status: criteria provided, single submitter. Criteria: Ambry Variant Classification Scheme 2023. Collection method: clinical testing. Allele origin: germline. Not counted in ClinVar's aggregate classification.
Comment: The c.5035delC pathogenic mutation, located in coding exon 15 of the BRCA1 gene, results from a deletion of one nucleotide at nucleotide position 5035, causing a translational frameshift with a predicted alternate stop codon (p.L1679*). This alteration was identified in a large, worldwide study of BRCA1/2 mutation positive families (Rebbeck TR et al. Hum Mutat, 2018 May;39:593-620). Specifically, this variant has been reported in Indian and Pakistani patients with breast and/or ovarian cancer and is a proposed founder mutation (Singh J et al. Breast Cancer Res Treat, 2018 Jul;170:189-196; Rashid MU et al. Hered Cancer Clin Pract, 2019 Sep;17:27; Sunar V et al. Asia Pac J Clin Oncol, 2022 Feb;18:84-92; Rashid MU et al. Int J Cancer, 2022 Aug;151:402-411). Of note, this variant is also designated as 5154del in published literature. In addition to the clinical data presented in the literature, this alteration is expected to result in loss of function by premature protein truncation or nonsense-mediated mRNA decay. As such, this alteration is interpreted as a disease-causing mutation.

Revvity Omics, Revvity
Classification: Pathogenic. Last evaluated: 2021-09-24. Review status: criteria provided, single submitter. Criteria: ACMG Guidelines, 2015. Collection method: clinical testing. Allele origin: germline. Not counted in ClinVar's aggregate classification.

GeneKor MSA
Classification: Pathogenic. Last evaluated: 2016-07-01. Review status: criteria provided, single submitter. Criteria: ACMG Guidelines, 2015. Collection method: clinical testing. Allele origin: germline. Not counted in ClinVar's aggregate classification.

Quest Diagnostics Nichols Institute San Juan Capistrano
Classification: Pathogenic for Breast-ovarian cancer, familial, susceptibility to, 1. Last evaluated: 2016-04-23. Review status: criteria provided, single submitter. Criteria: Quest Diagnostics criteria. Collection method: clinical testing. Allele origin: germline. Inheritance: Autosomal dominant inheritance. Not counted in ClinVar's aggregate classification.

Consortium of Investigators of Modifiers of BRCA1/2 (CIMBA), c/o University of Cambridge
Classification: Pathogenic for Breast-ovarian cancer, familial, susceptibility to, 1. Last evaluated: 2015-10-02. Review status: criteria provided, single submitter. Criteria: CIMBA Mutation Classification guidelines May 2016. Collection method: clinical testing. Allele origin: germline. Not counted in ClinVar's aggregate classification.

GeneDx
Classification: Pathogenic. Last evaluated: 2014-07-11. Review status: criteria provided, single submitter. Criteria: GeneDx Variant Classification (06012015). Collection method: clinical testing. Allele origin: germline. Affected: yes. Not counted in ClinVar's aggregate classification.
Comment: This deletion of one nucleotide is denoted BRCA1 c.5035delC at the cDNA level and p.Leu1679Ter (L1679X) at the protein level. The normal sequence, with the base that is deleted in brackets, is TTAT[C]TAAT. The deletion causes a frameshift resulting in a nonsense variant, which changes a Leucine to a premature stop codon. This variant is predicted to cause loss of normal protein function through either protein truncation or nonsense-mediated mRNA decay. BRCA1 c.5035delC, also published as BRCA1 c.5154delC using alternate nomenclature, has been observed in cases of familial breast cancer (Juwle 2012, Manguoglu 2010).

Molecular Endocrinology Laboratory, Christian Medical College
Classification: Pathogenic for Breast-ovarian cancer, familial, susceptibility to, 1. Review status: criteria provided, single submitter. Criteria: ACMG Guidelines, 2015. Collection method: clinical testing. Allele origin: germline. Affected: yes. Not counted in ClinVar's aggregate classification.

KCCC/NGS Laboratory, Kuwait Cancer Control Center
Classification: Pathogenic for Breast-ovarian cancer, familial, susceptibility to, 1. Last evaluated: 2023-05-05. Review status: no assertion criteria provided. Collection method: clinical testing. Allele origin: germline. Affected: yes. Not counted in ClinVar's aggregate classification.
Comment: A known pathogenic mutation was detected in the BRCA1 gene (c.5098delC) This sequence change creates a premature translational stop signal (p.Leu1700*) in the BRCA1 gene. It is expected to result in an absent or disrupted protein product. Loss-of-function variants in BRCA1 are known to be pathogenic (PMID: 20104584). This variant is not present in population databases (gnomAD no frequency). This premature translational stop signal has been observed in individual(s) with breast and ovarian cancer (PMID: 21156238, 22752604, 22874498, 26911350). This variant is also known as 5154delC, and c.5035del. ClinVar contains an entry for this variant (Variation ID: 55358) with 12 submissions. Therefore, this variant has been classified as Pathogenic. This variant was confirmed by Sanger sequencing.

Sharing Clinical Reports Project (SCRP)
Classification: Pathogenic for Breast-ovarian cancer, familial 1. Last evaluated: 2010-11-17. Review status: no assertion criteria provided. Collection method: clinical testing. Allele origin: germline. Not counted in ClinVar's aggregate classification.

Breast Cancer Information Core (BIC) (BRCA1)
Classification: Pathogenic for Breast-ovarian cancer, familial 1. Last evaluated: 2004-02-20. Review status: no assertion criteria provided. Collection method: clinical testing. Allele origin: germline. Affected: yes. Observed: 2 variant alleles. Not counted in ClinVar's aggregate classification.

Department of Pathology and Laboratory Medicine, Sinai Health System
Classification: Uncertain significance. Review status: no assertion criteria provided. Collection method: clinical testing. Allele origin: unknown. Affected: yes. Study: The Canadian Open Genetics Repository (COGR). Not counted in ClinVar's aggregate classification.

Literature cited by the submitters: PubMed 20104584 (cited by Labcorp Genetics (formerly Invitae), Labcorp and KCCC/NGS Laboratory, Kuwait Cancer Control Center); PubMed 21156238 (cited by 3 submitters); PubMed 22752604 (cited by 4 submitters); PubMed 22874498 (cited by 3 submitters); PubMed 26911350 (cited by Labcorp Genetics (formerly Invitae), Labcorp and Color Diagnostics, LLC DBA Color Health); PubMed 27553291 (cited by Color Diagnostics, LLC DBA Color Health); PubMed 31528241 (cited by Color Diagnostics, LLC DBA Color Health and Ambry Genetics); PubMed 33629534 (cited by Color Diagnostics, LLC DBA Color Health and Ambry Genetics); PubMed 35377489 (cited by Color Diagnostics, LLC DBA Color Health and Ambry Genetics); PubMed 29446198 (cited by Ambry Genetics); PubMed 29470806 (cited by Ambry Genetics); PubMed 26295337 (cited by Quest Diagnostics Nichols Institute San Juan Capistrano).

NM_007294.4(BRCA1):c.5035del (p.Asn1678_Leu1679insTer)

Gene: BRCA1 (BRCA1 DNA repair associated; minus strand). Cytogenetic location: 17q21.31.
Variant type: Deletion.
Coding change: c.5035del on transcript NM_007294.4 (MANE Select); coding-DNA position 5035, one base deleted (C; older notation c.5035delC).
Protein change: p.Asn1678_Leu1679insTer.
Molecular consequence: nonsense. On other transcripts: frameshift variant (364), non-coding transcript variant (1).
Genome position (GRCh38, 1-based): chr17:43,067,647, G deleted on the plus strand (C on the coding strand, the reverse complement: BRCA1 is on the minus strand). VCF-style (leftmost placement, unchanged base first): chr17-43067646-AG-A. GRCh37 (hg19) VCF-style: chr17-41219663-AG-A.
Other names: 5154delC; c.5098delC (NM_007300.3); c.4765delC, p.Leu1589Terfs (NM_001407935.1, NM_001407936.1, NM_001407934.1); c.4912delC, p.Leu1638Terfs (NM_001407937.1, NM_001407938.1, NM_001407664.1 and 6 more transcripts); c.4909delC, p.Leu1637Terfs (NM_001407939.1, NM_001407940.1, NM_001407670.1 and 11 more transcripts); c.4906delC, p.Leu1636Terfs (NM_001407941.1, NM_001407681.1, NM_001407682.1 and 6 more transcripts); c.4894delC, p.Leu1632Terfs (NM_001407942.1, NM_001407692.1, NM_001407694.1 and 12 more transcripts); c.4891delC, p.Leu1631Terfs (NM_001407943.1, NM_001407944.1, NM_001407945.1 and 21 more transcripts); and 75 more.
Identifiers: ClinVar variation 55358 (VCV000055358.28), dbSNP rs80357896, ClinGen allele CA003166.